The following is an entry in ClinVar:

NM_002095.6(GTF2E2):c.688G>A (p.Glu230Lys)

Gene: GTF2E2 (general transcription factor IIE subunit 2; minus strand). Cytogenetic location: 8p12.
Variant type: single nucleotide variant.
Coding change: c.688G>A on transcript NM_002095.6 (MANE Select); coding-DNA position 688, G replaced by A.
Protein change: p.Glu230Lys; replaces glutamic acid 230 with lysine.
Molecular consequence: missense variant.
Genome position (GRCh38, 1-based): chr8:30,580,352, C>T on the plus strand (G>A on the coding strand, the complement: GTF2E2 is on the minus strand). VCF-style: chr8-30580352-C-T. GRCh37 (hg19) VCF-style: chr8-30437869-C-T.
Other names: short protein forms E230K.
Identifiers: ClinVar variation 1407427 (VCV001407427.7), dbSNP rs764969255, ClinGen allele CA4700888.

ClinVar aggregate classification (germline): Uncertain significance (1 of 4 stars; one submission).

gnomAD v4.1: 10 of 1,609,640 alleles (0.00062%); highest among the groups gnomAD compares: East Asian, 0.0022%; no homozygotes.

Submission:

Labcorp Genetics (formerly Invitae), Labcorp
Classification: Uncertain significance. Last evaluated: 2022-03-23. Review status: criteria provided, single submitter. Criteria: Invitae Variant Classification Sherloc (09022015). Collection method: clinical testing. Allele origin: germline.
Comment: Algorithms developed to predict the effect of missense changes on protein structure and function are either unavailable or do not agree on the potential impact of this missense change (SIFT: "Deleterious"; PolyPhen-2: "Possibly Damaging"; Align-GVGD: "Class C15"). In summary, the available evidence is currently insufficient to determine the role of this variant in disease. Therefore, it has been classified as a Variant of Uncertain Significance. This variant has not been reported in the literature in individuals affected with GTF2E2-related conditions. This variant is present in population databases (rs764969255, gnomAD 0.003%). This sequence change replaces glutamic acid, which is acidic and polar, with lysine, which is basic and polar, at codon 230 of the GTF2E2 protein (p.Glu230Lys).